The following is an entry in ClinVar:

ClinVar aggregate classification (germline): Uncertain significance (1 of 4 stars; one submission).

Conditions:
Familial thoracic aortic aneurysm and aortic dissection (TAAD). Also called: Thoracic aortic aneurysms and dissections. Identifiers: Orphanet 91387, MedGen C4707243, MONDO:0019625.
Marfan syndrome (MFS). Also called: FBN1-Related Marfan Syndrome; Marfan syndrome type 1; Marfan's syndrome; Marfan syndrome, classic; MARFAN SYNDROME, TYPE I. Identifiers: Orphanet 284963, Orphanet 558, MedGen C0024796, MONDO:0007947, OMIM 154700.

gnomAD v4.1: 3 of 1,613,650 alleles (0.00019%); highest among the groups gnomAD compares: Non-Finnish European, 0.00025%; no homozygotes.

Submission:

Labcorp Genetics (formerly Invitae), Labcorp
Classification: Uncertain significance for Marfan syndrome; Familial thoracic aortic aneurysm and aortic dissection. Last evaluated: 2019-03-15. Review status: criteria provided, single submitter. Criteria: Invitae Variant Classification Sherloc (09022015). Collection method: clinical testing. Allele origin: germline.
Comment: This sequence change replaces asparagine with histidine at codon 386 of the FBN1 protein (p.Asn386His). The asparagine residue is moderately conserved and there is a small physicochemical difference between asparagine and histidine. This variant is not present in population databases (ExAC no frequency). This variant has not been reported in the literature in individuals with FBN1-related disease. Algorithms developed to predict the effect of missense changes on protein structure and function output the following: SIFT: "Tolerated"; PolyPhen-2: "Benign"; Align-GVGD: "Class C0". The histidine amino acid residue is found in multiple mammalian species, suggesting that this missense change does not adversely affect protein function. These predictions have not been confirmed by published functional studies and their clinical significance is uncertain. In summary, the available evidence is currently insufficient to determine the role of this variant in disease. Therefore, it has been classified as a Variant of Uncertain Significance.

NM_000138.5(FBN1):c.1156A>C (p.Asn386His)

Gene: FBN1 (fibrillin 1; minus strand). Cytogenetic location: 15q21.1.
Variant type: single nucleotide variant.
Coding change: c.1156A>C on transcript NM_000138.5 (MANE Select); coding-DNA position 1156, A replaced by C.
Protein change: p.Asn386His; replaces asparagine 386 with histidine.
Molecular consequence: missense variant.
Genome position (GRCh38, 1-based): chr15:48,516,354, T>G on the plus strand (A>C on the coding strand, the complement: FBN1 is on the minus strand). VCF-style: chr15-48516354-T-G. GRCh37 (hg19) VCF-style: chr15-48808551-T-G.
Other names: short protein forms N386H.
Identifiers: ClinVar variation 643422 (VCV000643422.2), dbSNP rs1597581597, ClinGen allele CA392345725.